The following is an entry in ClinVar:

ClinVar aggregate classification (germline): Likely pathogenic (1 of 4 stars; one submission).

Conditions:
Hypertrophic cardiomyopathy 4. Also called: Familial hypertrophic cardiomyopathy 4. Identifiers: MedGen C1861862, MONDO:0007268, OMIM 115197.

Submission:

3billion
Classification: Likely pathogenic for Hypertrophic cardiomyopathy 4. Last evaluated: 2023-02-23. Review status: criteria provided, single submitter. Criteria: ACMG Guidelines, 2015. Collection method: clinical testing. Allele origin: unknown. Affected: yes.
Comment: The variant is not observed in the gnomAD v2.1.1 dataset. Protein truncation variants are a common disease-causing mechanism. In silico tool predictions suggest damaging effect of the variant on gene or gene product (REVEL: 0.88). Same nucleotide change resulting in same amino acid change has been previously reported to be associated with MYBPC3 related disorder (PMID: 27885498). Different missense changes at the same codon (p.Pro161Ser, p.Pro161Thr) have been reported as pathogenic/likely pathogenic with strong evidence (ClinVar ID: VCV000042759, VCV000518242). Therefore, this variant is classified as Likely pathogenic according to the recommendation of ACMG/AMP guideline.

Literature cited by the submitters: PubMed 27885498.

NM_000256.3(MYBPC3):c.482C>G (p.Pro161Arg)

Gene: MYBPC3 (myosin binding protein C3; minus strand). Cytogenetic location: 11p11.2.
Variant type: single nucleotide variant.
Coding change: c.482C>G on transcript NM_000256.3 (MANE Select); coding-DNA position 482, C replaced by G.
Protein change: p.Pro161Arg; replaces proline 161 with arginine.
Molecular consequence: missense variant.
Genome position (GRCh38, 1-based): chr11:47,350,037, G>C on the plus strand (C>G on the coding strand, the complement: MYBPC3 is on the minus strand). VCF-style: chr11-47350037-G-C. GRCh37 (hg19) VCF-style: chr11-47371588-G-C.
Other names: short protein forms P161R.
Identifiers: ClinVar variation 2444426 (VCV002444426.1), dbSNP rs1565631094, ClinGen allele CA380338507.